The following is an entry in ClinVar:

ClinVar aggregate classification (germline): Uncertain significance (1 of 4 stars; one submission).

Allele frequency attached by ClinVar (database versions not stated): gnomAD exomes below 0.00001.
gnomAD v4.1: 2 of 1,614,138 alleles (0.00012%); highest among the groups gnomAD compares: Non-Finnish European, 0.00017%; no homozygotes.

Submission:

Labcorp Genetics (formerly Invitae), Labcorp
Classification: Uncertain significance. Last evaluated: 2024-11-06. Review status: criteria provided, single submitter. Criteria: Invitae Variant Classification Sherloc (09022015). Collection method: clinical testing. Allele origin: germline.
Comment: This sequence change replaces isoleucine, which is neutral and non-polar, with valine, which is neutral and non-polar, at codon 617 of the POLE protein (p.Ile617Val). This variant is not present in population databases (gnomAD no frequency). This variant has not been reported in the literature in individuals affected with POLE-related conditions. ClinVar contains an entry for this variant (Variation ID: 965405). Invitae Evidence Modeling of protein sequence and biophysical properties (such as structural, functional, and spatial information, amino acid conservation, physicochemical variation, residue mobility, and thermodynamic stability) indicates that this missense variant is not expected to disrupt POLE protein function with a negative predictive value of 80%. In summary, the available evidence is currently insufficient to determine the role of this variant in disease. Therefore, it has been classified as a Variant of Uncertain Significance.

NM_006231.4(POLE):c.1849A>G (p.Ile617Val)

Gene: POLE (DNA polymerase epsilon, catalytic subunit; minus strand). Cytogenetic location: 12q24.33.
Variant type: single nucleotide variant.
Coding change: c.1849A>G on transcript NM_006231.4 (MANE Select); coding-DNA position 1849, A replaced by G.
Protein change: p.Ile617Val; replaces isoleucine 617 with valine.
Molecular consequence: missense variant.
Genome position (GRCh38, 1-based): chr12:132,668,885, T>C on the plus strand (A>G on the coding strand, the complement: POLE is on the minus strand). VCF-style: chr12-132668885-T-C. GRCh37 (hg19) VCF-style: chr12-133245471-T-C.
Other names: short protein forms I617V.
Identifiers: ClinVar variation 965405 (VCV000965405.10), dbSNP rs1336668078, ClinGen allele CA387355528.